The following is an entry in ClinVar:

ClinVar aggregate classification (germline): Uncertain significance (1 of 4 stars; one submission).

Allele frequency attached by ClinVar (database versions not stated): ExAC 0.00001; gnomAD 0.00001; TOPMed 0.00001.
gnomAD v4.1: 4 of 1,609,110 alleles (0.00025%); highest among the groups gnomAD compares: Admixed American, 0.0033%; no homozygotes.

Submission:

Ambry Genetics
Classification: Uncertain significance. Last evaluated: 2024-12-07. Review status: criteria provided, single submitter. Criteria: Ambry Variant Classification Scheme 2023. Collection method: clinical testing. Allele origin: germline.
Comment: The p.H157Q variant (also known as c.471C>G), located in coding exon 5 of the NEBL gene, results from a C to G substitution at nucleotide position 471. The histidine at codon 157 is replaced by glutamine, an amino acid with highly similar properties. This amino acid position is conserved. In addition, this alteration is predicted to be tolerated by in silico analysis. Based on the available evidence, the clinical significance of this variant remains unclear.

NM_006393.3(NEBL):c.471C>G (p.His157Gln)

Gene: NEBL (nebulette; minus strand). Cytogenetic location: 10p12.31.
Variant type: single nucleotide variant.
Coding change: c.471C>G on transcript NM_006393.3 (MANE Select); coding-DNA position 471, C replaced by G.
Protein change: p.His157Gln; replaces histidine 157 with glutamine.
Molecular consequence: missense variant. On other transcripts: intron variant (9).
Genome position (GRCh38, 1-based): chr10:20,880,803, G>C on the plus strand (C>G on the coding strand, the complement: NEBL is on the minus strand). VCF-style: chr10-20880803-G-C. GRCh37 (hg19) VCF-style: chr10-21169732-G-C.
Other names: c.250-67863C>G (NM_001377326.1, NM_001377327.1, NM_001377328.1); c.358-67863C>G (NM_213569.2, NM_001173484.2, NM_001377322.1); c.301-67863C>G (NM_001377324.1); c.292-67863C>G (NM_001377325.1); c.310-67863C>G (NM_001377323.1); short protein forms H157Q.
Identifiers: ClinVar variation 2488860 (VCV002488860.3), dbSNP rs754927300, ClinGen allele CA5433242.
Genomic context (GRCh38, chr10:20,880,803, plus strand): 5'-TATGACTTAACTACAGTTCGCTAGAAAATCATGAGAAATGCGCTTCCTTACATTACTCTG[G>C]TGTTTATTGACCTCCATGGCATGTTTAACCTCAGGGGGCTCCTTCATGTGGGCATAATCT-3'
Protein context (NP_006384.1, residues 147-167): EVKHAMEVNK[His157Gln]QSNISYRKDV